The following is an entry in ClinVar:

ClinVar aggregate classification (germline): Uncertain significance (1 of 4 stars; one submission).

Conditions:
Spastic paraplegia. Identifiers: MedGen C0037772, HP:0001258.

Allele frequency attached by ClinVar (database versions not stated): TOPMed below 0.00001.

Submission:

Labcorp Genetics (formerly Invitae), Labcorp
Classification: Uncertain significance for Spastic paraplegia. Last evaluated: 2021-11-07. Review status: criteria provided, single submitter. Criteria: Invitae Variant Classification Sherloc (09022015). Collection method: clinical testing. Allele origin: germline.
Comment: This sequence change replaces valine, which is neutral and non-polar, with leucine, which is neutral and non-polar, at codon 5 of the CYP7B1 protein (p.Val5Leu). This variant is not present in population databases (gnomAD no frequency). This variant has not been reported in the literature in individuals affected with CYP7B1-related conditions. Algorithms developed to predict the effect of missense changes on protein structure and function output the following: SIFT: "Tolerated"; PolyPhen-2: "Benign"; Align-GVGD: "Class C0". The leucine amino acid residue is found in multiple mammalian species, which suggests that this missense change does not adversely affect protein function. In summary, the available evidence is currently insufficient to determine the role of this variant in disease. Therefore, it has been classified as a Variant of Uncertain Significance.

NM_004820.5(CYP7B1):c.13G>C (p.Val5Leu)

Genes: CYP7B1 (cytochrome P450 family 7 subfamily B member 1; minus strand), LOC130000507 (ATAC-STARR-seq lymphoblastoid silent region 19243; plus strand). Cytogenetic location: 8q12.3.
Variant type: single nucleotide variant.
Coding change: c.13G>C on transcript NM_004820.5 (MANE Select); coding-DNA position 13, G replaced by C.
Protein change: p.Val5Leu; replaces valine 5 with leucine.
Molecular consequence: missense variant.
Genome position (GRCh38, 1-based): chr8:64,798,575, C>G on the plus strand (G>C on the coding strand, the complement: CYP7B1 is on the minus strand). VCF-style: chr8-64798575-C-G. GRCh37 (hg19) VCF-style: chr8-65711132-C-G.
Other names: c.13G>C, p.Val5Leu (NM_001324112.2); short protein forms V5L.
Identifiers: ClinVar variation 1428987 (VCV001428987.3), dbSNP rs1266572347, ClinGen allele CA371408328.
Genomic context (GRCh38, chr8:64,798,575, plus strand): 5'-CGAGGGCCAGGCCCGGGAGGCCCAACCGCTCCAGCGAAAAGCGGCCCGTGGCCGCGGACA[C>G]TTCTCCTGCCATCCGGCGCGCGCTAGGCCGCGGTGGGCAGCCCGGGGTCTGCCTGCGAAC-3'
Protein context (NP_004811.1, residues 1-15): MAGE[Val5Leu]SAATGRFSLE